The following is an entry in ClinVar:

NM_000238.4(KCNH2):c.567_575dup (p.Ala193_Val194insProGlyAla)

Gene: KCNH2 (potassium voltage-gated channel subfamily H member 2; minus strand). Cytogenetic location: 7q36.1.
Variant type: Duplication.
Coding change: c.567_575dup on transcript NM_000238.4 (MANE Select); coding-DNA positions 567 to 575, 9 bases duplicated (CGCCCCGGG; older notation c.567_575dupCGCCCCGGG).
Protein change: p.Ala193_Val194insProGlyAla.
Molecular consequence: inframe insertion. On other transcripts: inframe indel (5).
Genome position (GRCh38, 1-based): chr7:150,958,400-150,958,408, CCCGGGGCG duplicated on the plus strand (CGCCCCGGG on the coding strand, the reverse complement: KCNH2 is on the minus strand); duplicating any 9 consecutive bases within chr7:150,958,400-150,958,412 gives the same sequence; the c. name uses the placement nearest the transcript's 3' end. VCF-style (leftmost placement, unchanged base first): chr7-150958399-C-CCCCGGGGCG. GRCh37 (hg19) VCF-style: chr7-150655487-C-CCCCGGGGCG.
Other names: c.275_283dup, p.Ala97_Val98insProGlyAla (NM_001406753.1, NM_001406756.1); c.386_394dup, p.Ala134_Val135insProGlyAla (NM_001406755.1); c.263_271dup, p.Ala93_Val94insProGlyAla (NM_001406757.1); c.563_571dup, p.Ala193_Val194insProGlyAla (NM_172056.3); c.567_575dupCGCCCCGGG (NM_000238.3).
Identifiers: ClinVar variation 1308547 (VCV001308547.14), dbSNP rs1370496092, ClinGen allele CA835203817.

ClinVar aggregate classification (germline): Uncertain significance. Review status: criteria provided, multiple submitters, no conflicts (2 of 4 stars). 3 submissions from 3 submitters: Uncertain significance (3). Last evaluated 2025-07-24.

Conditions:
Long QT syndrome (LQTS). Identifiers: MedGen C0023976, MeSH D008133, MONDO:0002442. Disease mechanism: loss of function. Inheritance: Various modes of inheritance.
Cardiovascular phenotype. Identifiers: MedGen CN230736.

Submissions (3):

Ambry Genetics
Classification: Uncertain significance for Cardiovascular phenotype. Last evaluated: 2025-07-24. Review status: criteria provided, single submitter. Criteria: Ambry Variant Classification Scheme 2023. Collection method: clinical testing. Allele origin: germline.
Comment: The c.567_575dupCGCCCCGGG variant (also known as p.A193_V194insAPG), located in coding exon 4 of the KCNH2 gene, results from an in-frame duplication of CGCCCCGGG at nucleotide positions 567 to 575. This results in the duplication of 3 extra residues (APG) between codons 193 and 194. This region is not well conserved in available vertebrate species. In addition, the in silico prediction for this variant is inconclusive (Choi Y et al. PLoS ONE. 2012; 7(10):e46688). Since supporting evidence is limited at this time, the clinical significance of this alteration remains unclear.

Labcorp Genetics (formerly Invitae), Labcorp
Classification: Uncertain significance for Long QT syndrome. Last evaluated: 2024-02-18. Review status: criteria provided, single submitter. Criteria: Invitae Variant Classification Sherloc (09022015). Collection method: clinical testing. Allele origin: germline.
Comment: This variant, c.567_575dup, results in the insertion of 3 amino acid(s) of the KCNH2 protein (p.Pro191_Ala193dup), but otherwise preserves the integrity of the reading frame. This variant is not present in population databases (gnomAD no frequency). This variant has not been reported in the literature in individuals affected with KCNH2-related conditions. ClinVar contains an entry for this variant (Variation ID: 1308547). Experimental studies and prediction algorithms are not available or were not evaluated, and the functional significance of this variant is currently unknown. In summary, the available evidence is currently insufficient to determine the role of this variant in disease. Therefore, it has been classified as a Variant of Uncertain Significance.

GeneDx
Classification: Uncertain significance. Last evaluated: 2023-09-27. Review status: criteria provided, single submitter. Criteria: GeneDx Variant Classification Process June 2021. Collection method: clinical testing. Allele origin: germline. Affected: yes.
Comment: Has not been previously published as pathogenic or benign to our knowledge; In-frame duplication of three amino acids in a non-repeat region; Not observed at significant frequency in large population cohorts (gnomAD)